The following is an entry in ClinVar:

ClinVar aggregate classification (germline): Uncertain significance (1 of 4 stars; one submission).

Conditions:
Hereditary cancer-predisposing syndrome. Also called: Neoplastic Syndromes, Hereditary; Tumor predisposition; Hereditary Cancer Syndrome; Hereditary neoplastic syndrome. Identifiers: Orphanet 140162, MedGen C0027672, MeSH D009386, MONDO:0015356.

Submission:

Color Diagnostics, LLC DBA Color Health
Classification: Uncertain significance for Hereditary cancer-predisposing syndrome. Last evaluated: 2025-04-07. Review status: criteria provided, single submitter. Criteria: ACMG Guidelines, 2015. Collection method: clinical testing. Allele origin: germline.
Comment: This missense variant replaces proline with serine at codon 449 of the CHEK2 protein. Computational prediction suggests that this variant may not impact protein structure and function. To our knowledge, functional studies have not been reported for this variant. This variant has not been reported in individuals affected with CHEK2-related disorders in the literature. This variant has not been identified in the general population by the Genome Aggregation Database (gnomAD). The available evidence is insufficient to determine the role of this variant in disease conclusively. Therefore, this variant is classified as a Variant of Uncertain Significance.

NM_007194.4(CHEK2):c.1345C>T (p.Pro449Ser)

Gene: CHEK2 (checkpoint kinase 2; minus strand). Cytogenetic location: 22q12.1.
Variant type: single nucleotide variant.
Coding change: c.1345C>T on transcript NM_007194.4 (MANE Select); coding-DNA position 1345, C replaced by T.
Protein change: p.Pro449Ser; replaces proline 449 with serine.
Molecular consequence: missense variant.
Genome position (GRCh38, 1-based): chr22:28,695,157, G>A on the plus strand (C>T on the coding strand, the complement: CHEK2 is on the minus strand). VCF-style: chr22-28695157-G-A. GRCh37 (hg19) VCF-style: chr22-29091145-G-A.
Other names: c.1474C>T, p.Pro492Ser (NM_001005735.3); c.682C>T, p.Pro228Ser (NM_001257387.3); c.1144C>T, p.Pro382Ser (NM_001349956.3); c.1258C>T, p.Pro420Ser (NM_145862.3); short protein forms P228S, P382S, P420S, P449S, P492S.
Identifiers: ClinVar variation 3894293 (VCV003894293.1).